The following is an entry in ClinVar:

NM_017780.4(CHD7):c.6190A>G (p.Ile2064Val)

Gene: CHD7 (chromodomain helicase DNA binding protein 7; plus strand). Cytogenetic location: 8q12.2.
Variant type: single nucleotide variant.
Coding change: c.6190A>G on transcript NM_017780.4 (MANE Select); coding-DNA position 6190, A replaced by G.
Protein change: p.Ile2064Val; replaces isoleucine 2064 with valine.
Molecular consequence: missense variant. On other transcripts: intron variant (1).
Genome position (GRCh38, 1-based): chr8:60,852,915, A>G. VCF-style: chr8-60852915-A-G. GRCh37 (hg19) VCF-style: chr8-61765474-A-G.
Other names: c.1717-9314A>G (NM_001316690.1); short protein forms I2064V.
Identifiers: ClinVar variation 2079743 (VCV002079743.5), dbSNP rs200321575, ClinGen allele CA4760546.

ClinVar aggregate classification (germline): Uncertain significance. Review status: criteria provided, multiple submitters, no conflicts (2 of 4 stars). 2 submissions from 2 submitters: Uncertain significance (2). Last evaluated 2026-02-01.

Conditions:
CHARGE syndrome (CHARGE). Also called: Hittner Hirsch Kreh syndrome; CHARGE ASSOCIATION--COLOBOMA, HEART ANOMALY, CHOANAL ATRESIA, RETARDATION, GENITAL AND EAR ANOMALIES; Coloboma, heart anomaly, choanal atresia, retardation, genital and ear anomalies; CHARGE association; Hall-Hittner syndrome. Identifiers: Orphanet 138, MedGen C0265354, MONDO:0008965.

Allele frequency attached by ClinVar (database versions not stated): ExAC 0.00001; TOPMed 0.00001; gnomAD 0.00002; 1000 Genomes Project 30x 0.00016; 1000 Genomes Project 0.00020.
gnomAD v4.1: 3 of 1,613,992 alleles (0.00019%); highest among the groups gnomAD compares: African/African-American, 0.0027%; no homozygotes.

Submissions (2):

Labcorp Genetics (formerly Invitae), Labcorp
Classification: Uncertain significance for CHARGE syndrome. Last evaluated: 2026-02-01. Review status: criteria provided, single submitter. Criteria: Invitae Variant Classification Sherloc (09022015). Collection method: clinical testing. Allele origin: germline.
Comment: This sequence change replaces isoleucine, which is neutral and non-polar, with valine, which is neutral and non-polar, at codon 2064 of the CHD7 protein (p.Ile2064Val). This variant is present in population databases (rs200321575, gnomAD 0.005%). This missense change has been observed in individual(s) with Kallmann syndrome (PMID: 25472840). ClinVar contains an entry for this variant (Variation ID: 2079743). Invitae Evidence Modeling of protein sequence and biophysical properties (such as structural, functional, and spatial information, amino acid conservation, physicochemical variation, residue mobility, and thermodynamic stability) indicates that this missense variant is not expected to disrupt CHD7 protein function with a negative predictive value of 95%. Experimental studies have shown that this missense change affects CHD7 function (PMID: 25472840). In summary, the available evidence is currently insufficient to determine the role of this variant in disease. Therefore, it has been classified as a Variant of Uncertain Significance.

GeneDx
Classification: Uncertain significance. Last evaluated: 2022-09-16. Review status: criteria provided, single submitter. Criteria: GeneDx Variant Classification Process June 2021. Collection method: clinical testing. Allele origin: germline. Affected: yes.
Comment: Identified in patients with Kallmann syndrome or isolated gonadotropin-releasing hormone (GnRH) deficiency and reported as a "low confidence" variant in published literature (Balasubramanian et al., 2014; Costa-Barbosa et al., 2013); In silico analysis, which includes protein predictors and evolutionary conservation, supports that this variant does not alter protein structure/function; This variant is associated with the following publications: (PMID: 25472840, 23533228)

Literature cited by the submitters: PubMed 25472840 (cited by Labcorp Genetics (formerly Invitae), Labcorp).